The following is an entry in ClinVar:

ClinVar aggregate classification (germline): Uncertain significance. Review status: criteria provided, multiple submitters, no conflicts (2 of 4 stars). 2 submissions from 2 submitters: Uncertain significance (2). Last evaluated 2024-07-23.

Conditions:
Oligodontia-cancer predisposition syndrome. Also called: TOOTH AGENESIS-COLORECTAL CANCER SYNDROME. Identifiers: Orphanet 300576, MedGen C1837750, MONDO:0012075, OMIM 608615. Disease mechanism: loss of function.
Hereditary cancer-predisposing syndrome. Also called: Hereditary Cancer Syndrome; Tumor predisposition; Hereditary neoplastic syndrome; Neoplastic Syndromes, Hereditary. Identifiers: Orphanet 140162, MedGen C0027672, MeSH D009386, MONDO:0015356.

Submissions (2):

Ambry Genetics
Classification: Uncertain significance for Hereditary cancer-predisposing syndrome. Last evaluated: 2024-07-23. Review status: criteria provided, single submitter. Criteria: Ambry Variant Classification Scheme 2023. Collection method: clinical testing. Allele origin: germline.
Comment: The p.G485D variant (also known as c.1454G>A), located in coding exon 5 of the AXIN2 gene, results from a G to A substitution at nucleotide position 1454. The glycine at codon 485 is replaced by aspartic acid, an amino acid with similar properties. This amino acid position is not well conserved in available vertebrate species. In addition, this alteration is predicted to be tolerated by in silico analysis. Based on the available evidence, the clinical significance of this variant remains unclear.

Labcorp Genetics (formerly Invitae), Labcorp
Classification: Uncertain significance for Oligodontia-cancer predisposition syndrome. Last evaluated: 2018-10-04. Review status: criteria provided, single submitter. Criteria: Invitae Variant Classification Sherloc (09022015). Collection method: clinical testing. Allele origin: germline.
Comment: This sequence change replaces glycine with aspartic acid at codon 485 of the AXIN2 protein (p.Gly485Asp). The glycine residue is moderately conserved and there is a moderate physicochemical difference between glycine and aspartic acid. This variant is not present in population databases (ExAC no frequency). This variant has not been reported in the literature in individuals with AXIN2-related disease. Algorithms developed to predict the effect of missense changes on protein structure and function are either unavailable or do not agree on the potential impact of this missense change (SIFT: "Tolerated"; PolyPhen-2: "Possibly Damaging"; Align-GVGD: "Class C0"). In summary, the available evidence is currently insufficient to determine the role of this variant in disease. Therefore, it has been classified as a Variant of Uncertain Significance.

NM_004655.4(AXIN2):c.1454G>A (p.Gly485Asp)

Gene: AXIN2 (axin 2; minus strand). Cytogenetic location: 17q24.1.
Variant type: single nucleotide variant.
Coding change: c.1454G>A on transcript NM_004655.4 (MANE Select); coding-DNA position 1454, G replaced by A.
Protein change: p.Gly485Asp; replaces glycine 485 with aspartic acid.
Molecular consequence: missense variant.
Genome position (GRCh38, 1-based): chr17:65,537,582, C>T on the plus strand (G>A on the coding strand, the complement: AXIN2 is on the minus strand). VCF-style: chr17-65537582-C-T. GRCh37 (hg19) VCF-style: chr17-63533700-C-T.
Other names: c.1454G>A (LRG_296t1); c.1454G>A, p.Gly485Asp (NM_001363813.1); short protein forms G485D.
Identifiers: ClinVar variation 646911 (VCV000646911.9), dbSNP rs1598099098, ClinGen allele CA400677468.